The following is an entry in ClinVar:

NM_005026.5(PIK3CD):c.232G>A (p.Glu78Lys)

Gene: PIK3CD (phosphatidylinositol-4,5-bisphosphate 3-kinase catalytic subunit delta; plus strand). Cytogenetic location: 1p36.22.
Variant type: single nucleotide variant.
Coding change: c.232G>A on transcript NM_005026.5 (MANE Select); coding-DNA position 232, G replaced by A.
Protein change: p.Glu78Lys; replaces glutamic acid 78 with lysine.
Molecular consequence: missense variant.
Genome position (GRCh38, 1-based): chr1:9,715,631, G>A. VCF-style: chr1-9715631-G-A. GRCh37 (hg19) VCF-style: chr1-9775689-G-A.
Other names: c.232G>A, p.Glu78Lys (NM_001350234.2, NM_001350235.1); short protein forms E78K.
Identifiers: ClinVar variation 2632970 (VCV002632970.1), dbSNP rs1647287408, ClinGen allele CA338300147.

ClinVar aggregate classification (germline): Uncertain significance (1 of 4 stars; one submission).

Conditions:
PIK3CD-related disorder. Also called: PIK3CD-related condition.

Allele frequency attached by ClinVar (database versions not stated): TOPMed 0.00001.

Submission:

PreventionGenetics, part of Exact Sciences
Classification: Uncertain significance for PIK3CD-related condition. Last evaluated: 2023-05-02. Review status: criteria provided, single submitter. Criteria: ACMG Guidelines, 2015. Collection method: clinical testing. Allele origin: germline.
Comment: The PIK3CD c.232G>A variant is predicted to result in the amino acid substitution p.Glu78Lys. To our knowledge, this variant has not been reported in the literature or in a large population database, indicating this variant is rare. At this time, the clinical significance of this variant is uncertain due to the absence of conclusive functional and genetic evidence.